The following is an entry in ClinVar:

ClinVar aggregate classification (germline): Uncertain significance. Review status: criteria provided, multiple submitters, no conflicts (2 of 4 stars). 2 submissions from 2 submitters: Uncertain significance (2). Last evaluated 2022-10-27.

Conditions:
Hereditary cancer-predisposing syndrome. Also called: Hereditary Cancer Syndrome; Neoplastic Syndromes, Hereditary; Tumor predisposition; Hereditary neoplastic syndrome. Identifiers: Orphanet 140162, MedGen C0027672, MeSH D009386, MONDO:0015356.

Submissions (2):

Ambry Genetics
Classification: Uncertain significance for Hereditary cancer-predisposing syndrome. Last evaluated: 2022-10-27. Review status: criteria provided, single submitter. Criteria: Ambry Variant Classification Scheme 2023. Collection method: clinical testing. Allele origin: germline.
Comment: The p.F1758L variant (also known as c.5274C>G), located in coding exon 39 of the POLE gene, results from a C to G substitution at nucleotide position 5274. The phenylalanine at codon 1758 is replaced by leucine, an amino acid with highly similar properties. This amino acid position is conserved. In addition, the in silico prediction for this alteration is inconclusive. Since supporting evidence is limited at this time, the clinical significance of this alteration remains unclear.

Labcorp Genetics (formerly Invitae), Labcorp
Classification: Uncertain significance. Last evaluated: 2022-01-31. Review status: criteria provided, single submitter. Criteria: Invitae Variant Classification Sherloc (09022015). Collection method: clinical testing. Allele origin: germline.
Comment: In summary, the available evidence is currently insufficient to determine the role of this variant in disease. Therefore, it has been classified as a Variant of Uncertain Significance. Algorithms developed to predict the effect of missense changes on protein structure and function are either unavailable or do not agree on the potential impact of this missense change (SIFT: "Tolerated"; PolyPhen-2: "Probably Damaging"; Align-GVGD: "Class C0"). This variant has not been reported in the literature in individuals affected with POLE-related conditions. This variant is not present in population databases (gnomAD no frequency). This sequence change replaces phenylalanine, which is neutral and non-polar, with leucine, which is neutral and non-polar, at codon 1758 of the POLE protein (p.Phe1758Leu).

NM_006231.4(POLE):c.5274C>G (p.Phe1758Leu)

Gene: POLE (DNA polymerase epsilon, catalytic subunit; minus strand). Cytogenetic location: 12q24.33.
Variant type: single nucleotide variant.
Coding change: c.5274C>G on transcript NM_006231.4 (MANE Select); coding-DNA position 5274, C replaced by G.
Protein change: p.Phe1758Leu; replaces phenylalanine 1758 with leucine.
Molecular consequence: missense variant.
Genome position (GRCh38, 1-based): chr12:132,641,751, G>C on the plus strand (C>G on the coding strand, the complement: POLE is on the minus strand). VCF-style: chr12-132641751-G-C. GRCh37 (hg19) VCF-style: chr12-133218337-G-C.
Other names: short protein forms F1758L.
Identifiers: ClinVar variation 1746526 (VCV001746526.7), dbSNP rs921653059, ClinGen allele CA387376211.